The following is an entry in ClinVar:

ClinVar aggregate classification (germline): Conflicting classifications of pathogenicity. Review status: criteria provided, conflicting classifications (1 of 4 stars). 4 submissions from 4 submitters: Uncertain significance (2); Likely benign (2). Last evaluated 2025-05-03.

Conditions:
Familial sleep-related hypermotor epilepsy. Also called: Autosomal Dominant Sleep-Related Hypermotor (Hyperkinetic) Epilepsy. Identifiers: Orphanet 98784, MedGen C3696898, MONDO:0000030.
Inborn genetic diseases. Identifiers: MedGen C0950123, MeSH D030342.

Allele frequency attached by ClinVar (database versions not stated): gnomAD 0.00002; gnomAD exomes 0.00002 and 0.00003; ExAC 0.00003; TOPMed 0.00004.
gnomAD v4.1: 40 of 1,612,696 alleles (0.0025%); highest among the groups gnomAD compares: South Asian, 0.0099%; no homozygotes.

Submissions (4):

Ambry Genetics
Classification: Likely benign for Inborn genetic diseases. Last evaluated: 2025-05-03. Review status: criteria provided, single submitter. Criteria: Ambry Variant Classification Scheme 2023. Collection method: clinical testing. Allele origin: germline.

Labcorp Genetics (formerly Invitae), Labcorp
Classification: Likely benign. Last evaluated: 2024-08-05. Review status: criteria provided, single submitter. Criteria: Invitae Variant Classification Sherloc (09022015). Collection method: clinical testing. Allele origin: germline.

GeneDx
Classification: Uncertain significance. Last evaluated: 2020-05-04. Review status: criteria provided, single submitter. Criteria: GeneDx Variant Classification Process June 2021. Collection method: clinical testing. Allele origin: germline. Affected: yes.
Comment: In silico analysis supports that this missense variant has a deleterious effect on protein structure/function; Has not been previously published as pathogenic or benign to our knowledge

Eurofins Ntd Llc (ga)
Classification: Uncertain significance. Last evaluated: 2018-05-25. Review status: criteria provided, single submitter. Criteria: EGL ClinVar v180209 classification definitions. Collection method: clinical testing. Allele origin: germline. Observed: 1 variant allele, 1 heterozygote.

NM_000744.7(CHRNA4):c.1685C>T (p.Pro562Leu)

Gene: CHRNA4 (cholinergic receptor nicotinic alpha 4 subunit; minus strand). Cytogenetic location: 20q13.33.
Variant type: single nucleotide variant.
Coding change: c.1685C>T on transcript NM_000744.7 (MANE Select); coding-DNA position 1685, C replaced by T.
Protein change: p.Pro562Leu; replaces proline 562 with leucine.
Molecular consequence: missense variant. On other transcripts: non-coding transcript variant (1).
Genome position (GRCh38, 1-based): chr20:63,349,726, G>A on the plus strand (C>T on the coding strand, the complement: CHRNA4 is on the minus strand). VCF-style: chr20-63349726-G-A. GRCh37 (hg19) VCF-style: chr20-61981078-G-A.
Other names: c.1157C>T, p.Pro386Leu (NM_001256573.2); short protein forms P562L, P386L.
Identifiers: ClinVar variation 423212 (VCV000423212.18), dbSNP rs200750362, ClinGen allele CA9957550.